The following is an entry in ClinVar:

NM_001134363.3(RBM20):c.80C>T (p.Pro27Leu)

Gene: RBM20 (RNA binding motif protein 20; plus strand). Cytogenetic location: 10q25.2.
Variant type: single nucleotide variant.
Coding change: c.80C>T on transcript NM_001134363.3 (MANE Select); coding-DNA position 80, C replaced by T.
Protein change: p.Pro27Leu; replaces proline 27 with leucine.
Molecular consequence: missense variant.
Genome position (GRCh38, 1-based): chr10:110,644,534, C>T. VCF-style: chr10-110644534-C-T. GRCh37 (hg19) VCF-style: chr10-112404292-C-T.
Other names: short protein forms P27L.
Identifiers: ClinVar variation 4151587 (VCV004151587.1).

ClinVar aggregate classification (germline): Uncertain significance (1 of 4 stars; one submission).

Conditions:
Cardiovascular phenotype. Identifiers: MedGen CN230736.

Submission:

Ambry Genetics
Classification: Uncertain significance for Cardiovascular phenotype. Last evaluated: 2025-06-28. Review status: criteria provided, single submitter. Criteria: Ambry Variant Classification Scheme 2023. Collection method: clinical testing. Allele origin: germline.
Comment: The p.P27L variant (also known as c.80C>T), located in coding exon 1 of the RBM20 gene, results from a C to T substitution at nucleotide position 80. The proline at codon 27 is replaced by leucine, an amino acid with similar properties. This amino acid position is conserved. In addition, this alteration is predicted to be tolerated by in silico analysis. Based on the available evidence, the clinical significance of this variant remains unclear.